The following is an entry in ClinVar:

ClinVar aggregate classification (germline): Uncertain significance. Review status: criteria provided, multiple submitters, no conflicts (2 of 4 stars). 2 submissions from 2 submitters: Uncertain significance (2). Last evaluated 2023-09-17.

Conditions:
Tuberous sclerosis syndrome (TSC). Also called: Tuberous Sclerosis Complex; Tuberous sclerosis. Identifiers: Orphanet 805, MedGen C0041341, MONDO:0001734.
Tuberous sclerosis 1 (TSC1). Identifiers: Orphanet 805, MedGen C1854465, MONDO:0008612, OMIM 191100.

Allele frequency attached by ClinVar (database versions not stated): gnomAD exomes below 0.00001; ExAC 0.00001.
gnomAD v4.1: 1 of 1,614,056 alleles (0.000062%); highest among the groups gnomAD compares: Non-Finnish European, 0.000085%; no homozygotes.

Submissions (2):

All of Us Research Program, National Institutes of Health
Classification: Uncertain significance for Tuberous sclerosis syndrome. Last evaluated: 2023-09-17. Review status: criteria provided, single submitter. Criteria: ACMG Guidelines, 2015. Collection method: clinical testing. Allele origin: germline. Inheritance: Autosomal dominant inheritance. Observed: 1 variant allele, 1 heterozygote.
Comment: This missense variant replaces leucine with serine at codon 536 of the TSC1 protein. Computational prediction suggests that this variant may not impact protein structure and function (internally defined REVEL score threshold <= 0.5, PMID: 27666373). To our knowledge, functional studies have not been reported for this variant. This variant has not been reported in individuals affected with TSC1-related disorders in the literature. This variant has been identified in 1/251350 chromosomes in the general population by the Genome Aggregation Database (gnomAD). The available evidence is insufficient to determine the role of this variant in disease conclusively. Therefore, this variant is classified as a Variant of Uncertain Significance.

This study involves interpretation of variants in research participants for the purpose of population health screening. Participant phenotype was not available at the time of variant classification. Additional details can be found in publication PMID: 35346344, PMCID: PMC8962531

Labcorp Genetics (formerly Invitae), Labcorp
Classification: Uncertain significance for Tuberous sclerosis 1. Last evaluated: 2021-06-19. Review status: criteria provided, single submitter. Criteria: Invitae Variant Classification Sherloc (09022015). Collection method: clinical testing. Allele origin: germline.
Comment: Algorithms developed to predict the effect of missense changes on protein structure and function output the following: SIFT: "Deleterious"; PolyPhen-2: "Benign"; Align-GVGD: "Class C0". The serine amino acid residue is found in multiple mammalian species, suggesting that this missense change does not adversely affect protein function. These predictions have not been confirmed by published functional studies and their clinical significance is uncertain. This sequence change replaces leucine with serine at codon 536 of the TSC1 protein (p.Leu536Ser). The leucine residue is moderately conserved and there is a large physicochemical difference between leucine and serine. This variant is present in population databases (rs776633158, ExAC 0.001%). This variant has not been reported in the literature in individuals with TSC1-related disease. In summary, the available evidence is currently insufficient to determine the role of this variant in disease. Therefore, it has been classified as a Variant of Uncertain Significance.

NM_000368.5(TSC1):c.1607T>C (p.Leu536Ser)

Gene: TSC1 (TSC complex subunit 1; minus strand). Cytogenetic location: 9q34.13.
Variant type: single nucleotide variant.
Coding change: c.1607T>C on transcript NM_000368.5 (MANE Select); coding-DNA position 1607, T replaced by C.
Protein change: p.Leu536Ser; replaces leucine 536 with serine.
Molecular consequence: missense variant.
Genome position (GRCh38, 1-based): chr9:132,905,971, A>G on the plus strand (T>C on the coding strand, the complement: TSC1 is on the minus strand). VCF-style: chr9-132905971-A-G. GRCh37 (hg19) VCF-style: chr9-135781358-A-G.
Other names: c.1604T>C, p.Leu535Ser (NM_001162426.2); c.1454T>C, p.Leu485Ser (NM_001162427.2); c.1244T>C, p.Leu415Ser (NM_001362177.2); short protein forms L536S, L415S, L485S, L535S.
Identifiers: ClinVar variation 534445 (VCV000534445.9), dbSNP rs776633158, ClinGen allele CA029226.